The following is an entry in ClinVar:

NM_001358263.1(HK1):c.-297G>A

Gene: HK1 (hexokinase 1; plus strand). Cytogenetic location: 10q22.1.
Variant type: single nucleotide variant.
Coding change: c.-297G>A on transcript NM_001358263.1 (MANE Plus Clinical); 297 bases upstream of the start codon, G replaced by A.
Molecular consequence: 5 prime UTR variant. On other transcripts: intron variant (5).
Genome position (GRCh38, 1-based): chr10:69,278,684, G>A. VCF-style: chr10-69278684-G-A. GRCh37 (hg19) VCF-style: chr10-71038440-G-A.
Other names: c.-390-3845G>A (NM_033500.2); c.-195-3845G>A (NM_001322365.2, NM_033497.3); c.-249-3845G>A (NM_033498.3); c.-74+8576G>A (NM_001322364.2).
Identifiers: ClinVar variation 3044702 (VCV003044702.3), dbSNP rs144690405, ClinGen allele CA209224850.

ClinVar aggregate classification (germline): Likely benign. Review status: criteria provided, single submitter (1 of 4 stars). 2 submissions from 2 submitters: Likely benign (1). 1 of the submissions does not count toward it. Last evaluated 2024-10-22.

Conditions:
HK1-related disorder. Also called: HK1-related disorders; HK1-related condition.

Allele frequency attached by ClinVar (database versions not stated): 1000 Genomes Project 0.00100; TOPMed 0.00186; 1000 Genomes Project 30x 0.00125; gnomAD 0.00163.

Submissions (2):

Blueprint Genetics
Classification: Likely benign. Last evaluated: 2024-10-22. Review status: criteria provided, single submitter. Criteria: ACMG Guidelines, 2015. Collection method: clinical testing. Allele origin: germline.

PreventionGenetics, part of Exact Sciences
Classification: Likely benign for HK1-related condition. Last evaluated: 2019-05-30. Review status: no assertion criteria provided. Collection method: clinical testing. Allele origin: germline. Not counted in ClinVar's aggregate classification.
Comment: This variant is classified as likely benign based on ACMG/AMP sequence variant interpretation guidelines (Richards et al. 2015 PMID: 25741868, with internal and published modifications).